The following is an entry in ClinVar:

ClinVar aggregate classification (germline): Likely benign. Review status: criteria provided, multiple submitters, no conflicts (2 of 4 stars). 3 submissions from 3 submitters: Likely benign (2). 1 of the submissions does not count toward it. Last evaluated 2026-01-19.

Conditions:
TUBB4B-related disorder. Also called: TUBB4B-related condition.

Allele frequency attached by ClinVar (database versions not stated): gnomAD exomes 0.00047 and 0.00070; ExAC 0.00052; gnomAD 0.00055 and 0.00056; TOPMed 0.00056; ESP Exome Variant Server 0.00077.
gnomAD v4.1: 1,094 of 1,613,618 alleles (0.068%); highest among the groups gnomAD compares: Non-Finnish European, 0.085%; 1 homozygote.

Submissions (3):

Labcorp Genetics (formerly Invitae), Labcorp
Classification: Likely benign. Last evaluated: 2026-01-19. Review status: criteria provided, single submitter. Criteria: Invitae Variant Classification Sherloc (09022015). Collection method: clinical testing. Allele origin: germline.

Blueprint Genetics
Classification: Likely benign. Last evaluated: 2024-11-20. Review status: criteria provided, single submitter. Criteria: ACMG Guidelines, 2015. Collection method: clinical testing. Allele origin: germline.

PreventionGenetics, part of Exact Sciences
Classification: Likely benign for TUBB4B-related condition. Last evaluated: 2019-08-15. Review status: no assertion criteria provided. Collection method: clinical testing. Allele origin: germline. Not counted in ClinVar's aggregate classification.
Comment: This variant is classified as likely benign based on ACMG/AMP sequence variant interpretation guidelines (Richards et al. 2015 PMID: 25741868, with internal and published modifications).

NM_006088.6(TUBB4B):c.474G>A (p.Glu158=)

Gene: TUBB4B (tubulin beta 4B class IVb; plus strand). Cytogenetic location: 9q34.3.
Variant type: single nucleotide variant.
Coding change: c.474G>A on transcript NM_006088.6 (MANE Select); coding-DNA position 474, G replaced by A.
Protein change: p.Glu158=; no amino-acid change (glutamic acid 158 retained).
Molecular consequence: synonymous variant.
Genome position (GRCh38, 1-based): chr9:137,242,692, G>A. VCF-style: chr9-137242692-G-A. GRCh37 (hg19) VCF-style: chr9-140137144-G-A.
Other names: c.474G>A (NM_006088.5).
Identifiers: ClinVar variation 1552871 (VCV001552871.11), dbSNP rs143176276, ClinGen allele CA5365341.